The following is an entry in ClinVar:

ClinVar aggregate classification (germline): Pathogenic (1 of 4 stars; one submission).

Conditions:
Rare genetic deafness. Identifiers: Orphanet 96210, MedGen C5680250.

Submission:

Laboratory for Molecular Medicine, Mass General Brigham Personalized Medicine
Classification: Pathogenic for Rare genetic deafness. Last evaluated: 2013-01-30. Review status: criteria provided, single submitter. Criteria: LMM Criteria. Collection method: clinical testing. Allele origin: germline. Inheritance: Autosomal recessive inheritance. Observed: 1 variant allele.
Comment: The Trp2469X variant in GPR98 has not been reported in the literature nor previo usly identified by our laboratory. This nonsense variant leads to a premature te rmination codon at position 2469, which is predicted to lead to a truncated or a bsent protein. In summary, this variant meets our criteria to be classified as p athogenic.

NM_032119.4(ADGRV1):c.7406G>A (p.Trp2469Ter)

Gene: ADGRV1 (adhesion G protein-coupled receptor V1; plus strand). Cytogenetic location: 5q14.3.
Variant type: single nucleotide variant.
Coding change: c.7406G>A on transcript NM_032119.4 (MANE Select); coding-DNA position 7406, G replaced by A.
Protein change: p.Trp2469Ter; replaces tryptophan 2469 with a stop codon.
Molecular consequence: nonsense. On other transcripts: non-coding transcript variant (1).
Genome position (GRCh38, 1-based): chr5:90,694,162, G>A. VCF-style: chr5-90694162-G-A. GRCh37 (hg19) VCF-style: chr5-89989979-G-A.
Other names: short protein forms W2469*.
Identifiers: ClinVar variation 46371 (VCV000046371.4), dbSNP rs397517436, ClinGen allele CA261839.